The following is an entry in ClinVar:

NM_053025.4(MYLK):c.3149T>C (p.Met1050Thr)

Gene: MYLK (myosin light chain kinase; minus strand). Cytogenetic location: 3q21.1.
Variant type: single nucleotide variant.
Coding change: c.3149T>C on transcript NM_053025.4 (MANE Select); coding-DNA position 3149, T replaced by C.
Protein change: p.Met1050Thr; replaces methionine 1050 with threonine.
Molecular consequence: missense variant.
Genome position (GRCh38, 1-based): chr3:123,700,319, A>G on the plus strand (T>C on the coding strand, the complement: MYLK is on the minus strand). VCF-style: chr3-123700319-A-G. GRCh37 (hg19) VCF-style: chr3-123419166-A-G.
Other names: c.2621T>C, p.Met874Thr (NM_001321309.2); c.2942T>C, p.Met981Thr (NM_053026.4, NM_053028.4); c.3149T>C, p.Met1050Thr (NM_053027.4); short protein forms M874T, M981T, M1050T.
Identifiers: ClinVar variation 1728155 (VCV001728155.10), dbSNP rs557750849, ClinGen allele CA82924691.

ClinVar aggregate classification (germline): Uncertain significance. Review status: criteria provided, multiple submitters, no conflicts (2 of 4 stars). 3 submissions from 3 submitters: Uncertain significance (3). Last evaluated 2025-08-03.

Conditions:
Familial thoracic aortic aneurysm and aortic dissection (TAAD). Also called: Thoracic aortic aneurysms and dissections. Identifiers: Orphanet 91387, MedGen C4707243, MONDO:0019625.
Aortic aneurysm, familial thoracic 7 (AAT7). Also called: AORTIC DISSECTION, FAMILIAL, WITH OR WITHOUT AORTIC ANEURYSM. Identifiers: MedGen C3151077, MONDO:0013418, OMIM 613780.

Allele frequency attached by ClinVar (database versions not stated): gnomAD 0.00001; gnomAD exomes 0.00002.

Submissions (3):

Labcorp Genetics (formerly Invitae), Labcorp
Classification: Uncertain significance for Aortic aneurysm, familial thoracic 7. Last evaluated: 2025-08-03. Review status: criteria provided, single submitter. Criteria: Invitae Variant Classification Sherloc (09022015). Collection method: clinical testing. Allele origin: germline.
Comment: This sequence change replaces methionine, which is neutral and non-polar, with threonine, which is neutral and polar, at codon 1050 of the MYLK protein (p.Met1050Thr). This variant is present in population databases (rs557750849, gnomAD 0.009%). This variant has not been reported in the literature in individuals affected with MYLK-related conditions. ClinVar contains an entry for this variant (Variation ID: 1728155). Invitae Evidence Modeling of protein sequence and biophysical properties (such as structural, functional, and spatial information, amino acid conservation, physicochemical variation, residue mobility, and thermodynamic stability) indicates that this missense variant is not expected to disrupt MYLK protein function with a negative predictive value of 80%. In summary, the available evidence is currently insufficient to determine the role of this variant in disease. Therefore, it has been classified as a Variant of Uncertain Significance.

GeneDx
Classification: Uncertain significance. Last evaluated: 2024-04-24. Review status: criteria provided, single submitter. Criteria: GeneDx Variant Classification Process June 2021. Collection method: clinical testing. Allele origin: germline.
Comment: Has not been previously published as pathogenic or benign to our knowledge; In silico analysis indicates that this missense variant does not alter protein structure/function

Ambry Genetics
Classification: Uncertain significance for Familial thoracic aortic aneurysm and aortic dissection. Last evaluated: 2022-12-18. Review status: criteria provided, single submitter. Criteria: Ambry Variant Classification Scheme 2023. Collection method: clinical testing. Allele origin: germline.
Comment: The p.M1050T variant (also known as c.3149T>C), located in coding exon 15 of the MYLK gene, results from a T to C substitution at nucleotide position 3149. The methionine at codon 1050 is replaced by threonine, an amino acid with similar properties. This amino acid position is poorly conserved in available vertebrate species. In addition, this alteration is predicted to be tolerated by in silico analysis. Since supporting evidence is limited at this time, the clinical significance of this alteration remains unclear.